The following continues an entry in ClinVar:

UGT1A1*6

ClinVar aggregate classification (germline): Conflicting classifications of pathogenicity; drug response. Pathogenic (11); Likely pathogenic (6); Uncertain significance (4); Likely benign (4).

Submissions 21 to 31 of 31:

Department of Traditional Chinese Medicine, Fujian Provincial Hospital
Classification: Pathogenic for Gilbert syndrome. Review status: criteria provided, single submitter. Criteria: ACMG Guidelines, 2015. Collection method: research. Allele origin: inherited.
Comment: Nm _ 000463.3 (UGT1A1): C. G211a (P. G71R) is a missense mutation, which is also called UGT1A1*6. It has been reported that this missense mutation is a known common mutation related to Gilbert syndrome and hyperbilirubinemia in individuals of East Asian descent, and in related patients. (PMID: 19397531, 20975617, 21272068, 21342357, 25200497), this mutation is related to neonatal hyperbilirubinemia. The incidence of hemochromatosis is related to the increase. In one study, the detection rate of homozygous variation or heterozygous variation was 24.4%(PMID:15304120, 25200497, 26727668).Experimental studies show that this missense mutation will affect the function of UGT1A1 protein (PMID:9630669,19830808). According to ACMG guidelines, the mutation point conforms to PS3 _ modem (Well-established in vitro or in vivo functional studies supportive of a damaging effect on the gene or gene product.) and PM3_VeryStrong (For recessive disorders, detected in trans with a pathogenic variant.), so we thought the mutation point was pathogenic.

Juno Genomics, Hangzhou Juno Genomics, Inc
Classification: Uncertain significance for BILIRUBIN, SERUM LEVEL OF, QUANTITATIVE TRAIT LOCUS 1; Gilbert syndrome; Crigler-Najjar syndrome type 1; Crigler-Najjar syndrome, type II; Lucey-Driscoll syndrome. Review status: criteria provided, single submitter. Criteria: ACMG Guidelines, 2015. Collection method: clinical testing. Allele origin: germline.
Comment: Allele frequency is greater than expected for disorder.;For recessive disorders, detected in trans with a pathogenic variant.;Patient's phenotype or family history is highly specific for a disease with a single genetic etiology.;Well-established in vitro or in vivo functional studies supportive of a damaging effect on the gene or gene product.

Kariminejad - Najmabadi Pathology & Genetics Center
Classification: Likely pathogenic for Crigler-Najjar syndrome type 1. Review status: criteria provided, single submitter. Criteria: ACMG Guidelines, 2015. Collection method: clinical testing. Allele origin: germline. Affected: no.

Neuberg Centre For Genomic Medicine, NCGM
Classification: Pathogenic for Lucey-Driscoll syndrome. Review status: criteria provided, single submitter. Criteria: ACMG Guidelines, 2015. Collection method: clinical testing. Allele origin: germline. Inheritance: Autosomal recessive inheritance. Affected: yes.
Comment: The missense variant c.211G>A(p.Gly71Arg) in UGT1A1 gene has been reported in homozygous / compound heterozygous state in multiple individuals affected with UGT1A1 related disorders (Chen et. al., 2014; Iijima et. al., 2011). Experimental studies have shown that this missense change affects UGT1A1 function (Kouji Tagawaet. al., 2023; Sneitz et. al., 2010). The observed variant has allele frequency of 0.2% in gnomAD exomes database. This variant has been submitted to the ClinVar database Benign / Likely benign / Uncertain Significance / drug response / Likely Pathogenic / Pathogenic (multiple submissions). The amino acid change p.Gly71Arg in UGT1A1 is predicted as conserved by GERP++ and PhyloP across 100 vertebrates. The amino acid Gly at position 71 is changed to a Arg changing protein sequence and it might alter its composition and physico-chemical properties. For these reasons, this variant has been classified as Pathogenic.

Neuberg Centre For Genomic Medicine, NCGM
Classification: Likely benign for Gilbert syndrome. Review status: criteria provided, single submitter. Criteria: ACMG Guidelines, 2015. Collection method: clinical testing. Allele origin: germline. Inheritance: Autosomal recessive inheritance. Affected: yes.
Comment: The missense variant c.211G>A (p.Gly71Arg) in the UGT1A1 gene has been reported previously in compound heterozygous and homozygous state in individuals affected with Gilbert's syndrome and Crigler-Najjar syndrome type II. Experimental studies have shown that this missense change affects UGT1A1 function (Gu et al., 2022; Sneitz et al., 2010; Yamamoto et al., 1998). This variant is reported with a high allele frequency in the gnomAD. It is submitted to ClinVar with varying interpretations as Pathogenic/ Likely Pathogenic/Uncertain significance/Likely benign/Benign. In a meta-analysis study, the result suggests that the p.Gly71Arg mutation of the UGT1A1 gene is a risk factor for developing neonatal hyperbilirubinemia in both Asians and Caucasian subjects (Mehrad-Majd et al., 2019). The amino acid Glycine at position 71 is changed to an Arginine changing protein sequence and it might alter its composition and physico-chemical properties. The variant is predicted as damaging by SIFT. The amino acid change p.Gly71Arg in UGT1A1 is predicted as conserved by GERP++ and PhyloP across 100 vertebrates. For these reasons, this variant has been classified as Likely Benign.

Neuberg Centre For Genomic Medicine, NCGM
Classification: Pathogenic for Crigler-Najjar syndrome type 1. Review status: criteria provided, single submitter. Criteria: ACMG Guidelines, 2015. Collection method: clinical testing. Allele origin: germline. Affected: yes.
Comment: The observed missense variant c.211G>Ap.Gly71Arg in UGT1A1 gene has been reported previously in homozygous and compound heterozygous state in individuals with UGT1A1-related hyperbilirubinemia. Experimental studies have shown that this missense change affects UGT1A1 function Yi Y, et al., 2018; Luo L, et al., 2023; Sneitz N, et al., 2010. This variant is reported with the allele frequency 2.1% in the gnomAD Exomes. This variant has been reported to the ClinVar database as Pathogenic/Likely Pathogenic/Uncertain significance/Benign/Likely benign. The amino acid Gly at position 71 is changed to a Arg changing protein sequence and it might alter its composition and physico-chemical properties. Multiple lines of computational evidence Polyphen - Possibly damaging, SIFT – Damaging and MutationTaster - Disease causing predict a damaging effect on protein structure and function for this variant. The residue is conserved by GERP++ and PhyloP across 100 vertebrates. For these reasons, this variant has been classified as Pathogenic. In the absence of another reportable variant, the molecular diagnosis is not confirmed.

Difficult and Complicated Liver Diseases and Artificial Liver Center, Beijing You An Hospital, Capital Medical University
Classification: Pathogenic for Gilbert syndrome. Last evaluated: 2019-05-01. Review status: no assertion criteria provided. Collection method: case-control. Allele origin: inherited. Affected: yes. Observed: 120 variant alleles. Not counted in ClinVar's aggregate classification.

Genetic Services Laboratory, University of Chicago
Classification: other for Gilbert syndrome. Last evaluated: 2016-01-25. Review status: no assertion criteria provided. Collection method: clinical testing. Allele origin: germline. Affected: no. Not counted in ClinVar's aggregate classification.

OMIM
Classification: Affects for GILBERT SYNDROME. Last evaluated: 2013-01-01. Review status: no assertion criteria provided. Collection method: literature only. Allele origin: germline. Not counted in ClinVar's aggregate classification.

OMIM
Classification: Pathogenic for HYPERBILIRUBINEMIA, TRANSIENT FAMILIAL NEONATAL. Last evaluated: 2013-01-01. Review status: no assertion criteria provided. Collection method: literature only. Allele origin: germline. Not counted in ClinVar's aggregate classification.

OMIM
Classification: association for BILIRUBIN, SERUM LEVEL OF, QUANTITATIVE TRAIT LOCUS 1. Last evaluated: 2013-01-01. Review status: no assertion criteria provided. Collection method: literature only. Allele origin: germline. Not counted in ClinVar's aggregate classification.

Literature cited by the submitters: PubMed 9630669 (cited by 5 submitters); PubMed 19830808 (cited by 5 submitters); PubMed 29137095 (cited by Variantyx, Inc.); PubMed 29179591 (cited by Center for Genomic Medicine, Rigshospitalet, Copenhagen University Hospital); PubMed 26250421 (cited by Center for Genomic Medicine, Rigshospitalet, Copenhagen University Hospital); PubMed 19397531 (cited by 3 submitters); PubMed 20975617 (cited by 3 submitters); PubMed 21272068 (cited by Labcorp Genetics (formerly Invitae), Labcorp and Department of Traditional Chinese Medicine, Fujian Provincial Hospital); PubMed 21342357 (cited by Labcorp Genetics (formerly Invitae), Labcorp and Department of Traditional Chinese Medicine, Fujian Provincial Hospital); PubMed 25200497 (cited by 4 submitters); PubMed 11061796 (cited by 3 submitters); PubMed 21319362 (cited by Labcorp Genetics (formerly Invitae), Labcorp); PubMed 15304120 (cited by 4 submitters); PubMed 23014115 (cited by Rady Children's Institute for Genomic Medicine, Rady Children's Hospital San Diego and OMIM); PubMed 25993113 (cited by Rady Children's Institute for Genomic Medicine, Rady Children's Hospital San Diego); PubMed 26727668 (cited by Rady Children's Institute for Genomic Medicine, Rady Children's Hospital San Diego and Department of Traditional Chinese Medicine, Fujian Provincial Hospital); PubMed 31737051 (cited by Rady Children's Institute for Genomic Medicine, Rady Children's Hospital San Diego); PubMed 34074250 (cited by Rady Children's Institute for Genomic Medicine, Rady Children's Hospital San Diego); PubMed 11013440 (cited by Women's Health and Genetics/Laboratory Corporation of America, LabCorp); PubMed 7565971 (cited by Women's Health and Genetics/Laboratory Corporation of America, LabCorp); PubMed 8596320 (cited by Women's Health and Genetics/Laboratory Corporation of America, LabCorp); PubMed 11316168 (cited by Women's Health and Genetics/Laboratory Corporation of America, LabCorp); PubMed 7491021 (cited by Women's Health and Genetics/Laboratory Corporation of America, LabCorp); PubMed 9621515 (cited by Women's Health and Genetics/Laboratory Corporation of America, LabCorp); PubMed 26830078 (cited by Medical Genetics Summaries); PubMed 26857783 (cited by Medical Genetics Summaries); PubMed 27220761 (cited by Medical Genetics Summaries); PMC 5104260 (cited by Medical Genetics Summaries); PubMed 26604633 (cited by Medical Genetics Summaries); PubMed 28585035 (cited by Medical Genetics Summaries); PubMed 24033692 (cited by Medical Genetics Summaries); PubMed 17850628 (cited by Illumina Laboratory Services, Illumina); PubMed 12502904 (cited by Illumina Laboratory Services, Illumina); PubMed 10412811 (cited by OMIM); PubMed 9784835 (cited by OMIM); PubMed 9929972 (cited by OMIM); PubMed 10472535 (cited by OMIM); PubMed 18004206 (cited by OMIM); PubMed 19243019 (cited by OMIM).